The following is an entry in ClinVar:

ClinVar aggregate classification (germline): Likely pathogenic (1 of 4 stars; one submission).

Conditions:
Hereditary pancreatitis (PCTT). Also called: Hereditary chronic pancreatitis; PRSS1-Related Hereditary Pancreatitis. Identifiers: Orphanet 676, MedGen C0238339, MONDO:0008185, OMIM 167800.

Submission:

Ambry Genetics
Classification: Likely pathogenic for Hereditary pancreatitis. Last evaluated: 2016-01-26. Review status: criteria provided, single submitter. Criteria: Ambry Variant Classification Scheme 2023. Collection method: clinical testing. Allele origin: germline.
Comment: The c.55+1G>A intronic variant results from a G to A substitution one nucleotide after coding exon 1 of the SPINK1 gene. This variant was not reported in population based cohorts in the following databases: Database of Single Nucleotide Polymorphisms (dbSNP), NHLBI Exome Sequencing Project (ESP), and 1000 Genomes Project. In the ESP, this variant was not observed in 6503 samples (13006 alleles) with coverage at this position. This nucleotide position is highly conserved in available vertebrate species. Using the BDGP and ESEfinder splice site prediction tools, this alteration is predicted to abolish the native splice donor site; however, direct evidence is unavailable. Alterations that disrupt the canonical splice donor site are typically deleterious in nature (ACMG Recommendations for Standards for Interpretation and Reporting of Sequence Variations. Revision 2007. Genet Med. 2008;10:294). As such, this variant is classified as likely pathogenic.

NM_001379610.1(SPINK1):c.55+1G>A

Gene: SPINK1 (serine peptidase inhibitor Kazal type 1; minus strand). Cytogenetic location: 5q32.
Variant type: single nucleotide variant.
Coding change: c.55+1G>A on transcript NM_001379610.1 (MANE Select); the canonical splice donor site of the intron after coding-DNA position 55, G replaced by A.
Molecular consequence: splice donor variant.
Genome position (GRCh38, 1-based): chr5:147,831,522, C>T on the plus strand (G>A on the coding strand, the complement: SPINK1 is on the minus strand). VCF-style: chr5-147831522-C-T. GRCh37 (hg19) VCF-style: chr5-147211085-C-T.
Other names: c.55+1G>A (NM_003122.5, NM_001354966.2).
Identifiers: ClinVar variation 1747977 (VCV001747977.2), dbSNP rs1561606446, ClinGen allele CA361885478.